The following is an entry in ClinVar:

NM_007194.4(CHEK2):c.295C>A (p.Leu99Ile)

Gene: CHEK2 (checkpoint kinase 2; minus strand). Cytogenetic location: 22q12.1.
Variant type: single nucleotide variant.
Coding change: c.295C>A on transcript NM_007194.4 (MANE Select); coding-DNA position 295, C replaced by A.
Protein change: p.Leu99Ile; replaces leucine 99 with isoleucine.
Molecular consequence: missense variant.
Genome position (GRCh38, 1-based): chr22:28,734,427, G>T on the plus strand (C>A on the coding strand, the complement: CHEK2 is on the minus strand). VCF-style: chr22-28734427-G-T. GRCh37 (hg19) VCF-style: chr22-29130415-G-T.
Other names: c.295C>A, p.Leu99Ile (NM_001005735.3, NM_001349956.3, NM_145862.3); c.-483C>A (NM_001257387.3); short protein forms L99I.
Identifiers: ClinVar variation 1798145 (VCV001798145.2), dbSNP rs537051622, ClinGen allele CA411090303.

ClinVar aggregate classification (germline): Uncertain significance (1 of 4 stars; one submission).

Conditions:
Hereditary cancer-predisposing syndrome. Also called: Neoplastic Syndromes, Hereditary; Tumor predisposition; Hereditary Cancer Syndrome; Hereditary neoplastic syndrome. Identifiers: Orphanet 140162, MedGen C0027672, MeSH D009386, MONDO:0015356.

Submission:

Ambry Genetics
Classification: Uncertain significance for Hereditary cancer-predisposing syndrome. Last evaluated: 2022-08-12. Review status: criteria provided, single submitter. Criteria: Ambry Variant Classification Scheme 2023. Collection method: clinical testing. Allele origin: germline.
Comment: The p.L99I variant (also known as c.295C>A), located in coding exon 1 of the CHEK2 gene, results from a C to A substitution at nucleotide position 295. The leucine at codon 99 is replaced by isoleucine, an amino acid with highly similar properties. This amino acid position is well conserved in available vertebrate species. In addition, the in silico prediction for this alteration is inconclusive. Since supporting evidence is limited at this time, the clinical significance of this alteration remains unclear.